The following is an entry in ClinVar:

ClinVar aggregate classification (germline): Uncertain significance (1 of 4 stars; one submission).

Conditions:
Arrhythmogenic right ventricular dysplasia 10. Also called: ARRHYTHMOGENIC RIGHT VENTRICULAR DYSPLASIA, FAMILIAL, 10; Arrhythmogenic Right Ventricular Dysplasia/Cardiomyopathy10; Arrhythmogenic right ventricular dysplasia/cardiomyopathy, type 10. Identifiers: MedGen C1857777, MONDO:0012434, OMIM 610193.

Submission:

Labcorp Genetics (formerly Invitae), Labcorp
Classification: Uncertain significance for Arrhythmogenic right ventricular dysplasia 10. Last evaluated: 2021-09-01. Review status: criteria provided, single submitter. Criteria: Invitae Variant Classification Sherloc (09022015). Collection method: clinical testing. Allele origin: germline.
Comment: In summary, the available evidence is currently insufficient to determine the role of this variant in disease. Therefore, it has been classified as a Variant of Uncertain Significance. Algorithms developed to predict the effect of missense changes on protein structure and function output the following: SIFT: "Tolerated"; PolyPhen-2: "Benign"; Align-GVGD: "Class C0". The alanine amino acid residue is found in multiple mammalian species, which suggests that this missense change does not adversely affect protein function. This variant is not present in population databases (ExAC no frequency). This variant has not been reported in the literature in individuals affected with DSG2-related conditions. This sequence change replaces serine with alanine at codon 972 of the DSG2 protein (p.Ser972Ala). The serine residue is moderately conserved and there is a moderate physicochemical difference between serine and alanine.

NM_001943.5(DSG2):c.2914T>G (p.Ser972Ala)

Genes: DSG2 (desmoglein 2; plus strand), DSG2-AS1 (DSG2 antisense RNA 1; minus strand). Cytogenetic location: 18q12.1.
Variant type: single nucleotide variant.
Coding change: c.2914T>G on transcript NM_001943.5 (MANE Select); coding-DNA position 2914, T replaced by G.
Protein change: p.Ser972Ala; replaces serine 972 with alanine.
Molecular consequence: missense variant.
Genome position (GRCh38, 1-based): chr18:31,546,300, T>G. VCF-style: chr18-31546300-T-G. GRCh37 (hg19) VCF-style: chr18-29126263-T-G.
Other names: short protein forms S972A.
Identifiers: ClinVar variation 1479463 (VCV001479463.6), dbSNP rs2073308983, ClinGen allele CA402147351.